The following is an entry in ClinVar:

NM_032806.6(POMGNT2):c.628A>G (p.Ser210Gly)

Gene: POMGNT2 (protein O-linked mannose N-acetylglucosaminyltransferase 2 (beta 1,4-); minus strand). Cytogenetic location: 3p22.1.
Variant type: single nucleotide variant.
Coding change: c.628A>G on transcript NM_032806.6 (MANE Select); coding-DNA position 628, A replaced by G.
Protein change: p.Ser210Gly; replaces serine 210 with glycine.
Molecular consequence: missense variant.
Genome position (GRCh38, 1-based): chr3:43,080,804, T>C on the plus strand (A>G on the coding strand, the complement: POMGNT2 is on the minus strand). VCF-style: chr3-43080804-T-C. GRCh37 (hg19) VCF-style: chr3-43122296-T-C.
Other names: c.628A>G (NM_032806.4); short protein forms S210G.
Identifiers: ClinVar variation 2195752 (VCV002195752.4), dbSNP rs774495862, ClinGen allele CA2340023.

ClinVar aggregate classification (germline): Uncertain significance. Review status: criteria provided, multiple submitters, no conflicts (2 of 4 stars). 2 submissions from 2 submitters: Uncertain significance (2). Last evaluated 2025-06-29.

Conditions:
Muscular dystrophy-dystroglycanopathy (congenital with brain and eye anomalies), type a, 8 (MDDGA8). Also called: WALKER-WARBURG SYNDROME OR MUSCLE-EYE-BRAIN DISEASE, GTDC2-RELATED. Identifiers: Orphanet 899, MedGen C3553813, MONDO:0013904, OMIM 614830.
Inborn genetic diseases. Identifiers: MedGen C0950123, MeSH D030342.

Allele frequency attached by ClinVar (database versions not stated): gnomAD exomes below 0.00001; ExAC 0.00001.

Submissions (2):

Ambry Genetics
Classification: Uncertain significance for Inborn genetic diseases. Last evaluated: 2025-06-29. Review status: criteria provided, single submitter. Criteria: Ambry Variant Classification Scheme 2023. Collection method: clinical testing. Allele origin: germline.

Labcorp Genetics (formerly Invitae), Labcorp
Classification: Uncertain significance for Muscular dystrophy-dystroglycanopathy (congenital with brain and eye anomalies), type a, 8. Last evaluated: 2022-05-05. Review status: criteria provided, single submitter. Criteria: Invitae Variant Classification Sherloc (09022015). Collection method: clinical testing. Allele origin: germline.
Comment: This sequence change replaces serine, which is neutral and polar, with glycine, which is neutral and non-polar, at codon 210 of the POMGNT2 protein (p.Ser210Gly). This variant is present in population databases (rs774495862, gnomAD 0.0009%). This variant has not been reported in the literature in individuals affected with POMGNT2-related conditions. Algorithms developed to predict the effect of missense changes on protein structure and function (SIFT, PolyPhen-2, Align-GVGD) all suggest that this variant is likely to be disruptive. In summary, the available evidence is currently insufficient to determine the role of this variant in disease. Therefore, it has been classified as a Variant of Uncertain Significance.